The following is an entry in ClinVar:

NM_015705.6(SGSM3):c.1749_1751del (p.Gly584del)

Gene: SGSM3 (small G protein signaling modulator 3; plus strand). Cytogenetic location: 22q13.1.
Variant type: Deletion.
Coding change: c.1749_1751del on transcript NM_015705.6 (MANE Select); coding-DNA positions 1749 to 1751, 3 bases deleted (GGG; older notation c.1749_1751delGGG).
Protein change: p.Gly584del; deletes glycine 584.
Molecular consequence: non-coding transcript variant (on NR_146412.2).
Genome position (GRCh38, 1-based): chr22:40,408,396-40,408,398, GGG deleted; deleting any 3 consecutive bases within chr22:40,408,394-40,408,398 gives the same sequence; the c. name uses the placement nearest the transcript's 3' end. VCF-style (leftmost placement, unchanged base first): chr22-40408393-TGGG-T. GRCh37 (hg19) VCF-style: chr22-40804397-TGGG-T.
Other names: c.1482_1484del, p.Gly495del (NM_001301849.2); c.1749_1751del, p.Gly584del (NM_001350039.2, NM_001350040.2, NM_001350041.2); c.1560_1562del, p.Gly521del (NM_001350042.2, NM_001350044.2, NM_001350045.2); c.1548_1550del, p.Gly517del (NM_001350043.2, NM_001350046.2, NM_001350047.2); c.1251_1253del, p.Gly418del (NM_001350048.2); short protein forms G418del, G495del, G517del, G521del, G584del.
Identifiers: ClinVar variation 5040371 (VCV005040371.1).

ClinVar aggregate classification (germline): Uncertain significance (1 of 4 stars; one submission).

Submission:

CeGaT Center for Human Genetics Tuebingen
Classification: Uncertain significance. Last evaluated: 2026-08-01. Review status: criteria provided, single submitter. Criteria: CeGaT Center For Human Genetics Tuebingen Variant Classification Criteria Version 2. Collection method: clinical testing. Allele origin: germline. Affected: yes. Observed: 1 variant allele.
Comment: SGSM3: PM2, PM4:Supporting